The following is an entry in ClinVar:

NM_177438.3(DICER1):c.11C>G (p.Pro4Arg)

Gene: DICER1 (dicer 1, ribonuclease III; minus strand). Cytogenetic location: 14q32.13.
Variant type: single nucleotide variant.
Coding change: c.11C>G on transcript NM_177438.3 (MANE Select); coding-DNA position 11, C replaced by G.
Protein change: p.Pro4Arg; replaces proline 4 with arginine.
Molecular consequence: missense variant.
Genome position (GRCh38, 1-based): chr14:95,133,448, G>C on the plus strand (C>G on the coding strand, the complement: DICER1 is on the minus strand). VCF-style: chr14-95133448-G-C. GRCh37 (hg19) VCF-style: chr14-95599785-G-C.
Other names: c.11C>G, p.Pro4Arg (NM_001195573.1, NM_001271282.3, NM_001291628.2 and 1 more transcripts); short protein forms P4R.
Identifiers: ClinVar variation 1054491 (VCV001054491.12), dbSNP rs2140296806, ClinGen allele CA390890825.

ClinVar aggregate classification (germline): Uncertain significance. Review status: criteria provided, multiple submitters, no conflicts (2 of 4 stars). 2 submissions from 2 submitters: Uncertain significance (2). Last evaluated 2024-06-25.

Conditions:
Hereditary cancer-predisposing syndrome. Also called: Hereditary Cancer Syndrome; Tumor predisposition; Hereditary neoplastic syndrome; Neoplastic Syndromes, Hereditary. Identifiers: Orphanet 140162, MedGen C0027672, MeSH D009386, MONDO:0015356.
DICER1-related tumor predisposition. Also called: DICER1-related pleuropulmonary blastoma cancer predisposition syndrome; DICER1 syndrome. Identifiers: Orphanet 284343, MedGen C3839822, MONDO:0100216.

Allele frequency attached by ClinVar (database versions not stated): gnomAD exomes below 0.00001.
gnomAD v4.1: 1 of 1,613,206 alleles (0.000062%); highest among the groups gnomAD compares: Non-Finnish European, 0.000085%; no homozygotes.

Submissions (2):

Labcorp Genetics (formerly Invitae), Labcorp
Classification: Uncertain significance for DICER1-related tumor predisposition. Last evaluated: 2024-06-25. Review status: criteria provided, single submitter. Criteria: Invitae Variant Classification Sherloc (09022015). Collection method: clinical testing. Allele origin: germline.
Comment: This sequence change replaces proline, which is neutral and non-polar, with arginine, which is basic and polar, at codon 4 of the DICER1 protein (p.Pro4Arg). This variant is not present in population databases (gnomAD no frequency). This variant has not been reported in the literature in individuals affected with DICER1-related conditions. ClinVar contains an entry for this variant (Variation ID: 1054491). An algorithm developed to predict the effect of missense changes on protein structure and function (PolyPhen-2) suggests that this variant is likely to be disruptive. In summary, the available evidence is currently insufficient to determine the role of this variant in disease. Therefore, it has been classified as a Variant of Uncertain Significance.

Ambry Genetics
Classification: Uncertain significance for Hereditary cancer-predisposing syndrome. Last evaluated: 2024-04-16. Review status: criteria provided, single submitter. Criteria: Ambry Variant Classification Scheme 2023. Collection method: clinical testing. Allele origin: germline.
Comment: The p.P4R variant (also known as c.11C>G), located in coding exon 1 of the DICER1 gene, results from a C to G substitution at nucleotide position 11. The proline at codon 4 is replaced by arginine, an amino acid with dissimilar properties. This amino acid position is well conserved in available vertebrate species. In addition, the in silico prediction for this alteration is inconclusive. Based on the available evidence, the clinical significance of this variant remains unclear.